The following is an entry in ClinVar:

NM_001277115.2(DNAH11):c.5336_5337delinsCC (p.Gln1779Pro)

Gene: DNAH11 (dynein axonemal heavy chain 11; plus strand). Cytogenetic location: 7p15.3.
Variant type: Indel.
Coding change: c.5336_5337delinsCC on transcript NM_001277115.2 (MANE Select); coding-DNA positions 5336 to 5337, AG replaced by CC.
Protein change: p.Gln1779Pro; replaces glutamine 1779 with proline.
Molecular consequence: missense variant.
Genome position (GRCh38, 1-based): chr7:21,681,553-21,681,554, AG replaced by CC. VCF-style: chr7-21681553-AG-CC. GRCh37 (hg19) VCF-style: chr7-21721171-AG-CC.
Other names: c.5351_5352delAGinsCC, p.Gln1784Pro (NM_003777.3); short protein forms Q1779P, Q1784P.
Identifiers: ClinVar variation 1746900 (VCV001746900.2), dbSNP rs2534899870, ClinGen allele CA2580076911.

ClinVar aggregate classification (germline): Uncertain significance (1 of 4 stars; one submission).

Conditions:
Primary ciliary dyskinesia. Also called: Ciliary dyskinesia. Identifiers: Orphanet 244, MedGen C0008780, MONDO:0016575, HP:0012265.

Submission:

Ambry Genetics
Classification: Uncertain significance for Primary ciliary dyskinesia. Last evaluated: 2018-01-16. Review status: criteria provided, single submitter. Criteria: Ambry Variant Classification Scheme 2023. Collection method: clinical testing. Allele origin: germline.
Comment: The c.5336_5337delAGinsCC variant, located in coding exon 31 of the DNAH11 gene, results from an in-frame deletion of AG and insertion of CC at nucleotide positions 5336 to 5337. This results in the substitution of the glutamine residue for a proline residue at codon 1779, an amino acid with similar properties. This amino acid position is highly conserved in available vertebrate species. Since supporting evidence is limited at this time, the clinical significance of this alteration remains unclear.